The following is an entry in ClinVar:

ClinVar aggregate classification (germline): Benign. Review status: criteria provided, multiple submitters, no conflicts (2 of 4 stars). 3 submissions from 3 submitters: Benign (3). Last evaluated 2024-07-31.

Allele frequency attached by ClinVar (database versions not stated): ESP Exome Variant Server 0.05181; 1000 Genomes Project 0.08606.

Submissions (3):

Unidad de Genómica Garrahan, Hospital de Pediatría Garrahan
Classification: Benign. Last evaluated: 2024-07-31. Review status: criteria provided, single submitter. Criteria: ACMG Guidelines, 2015. Collection method: clinical testing. Allele origin: germline. Affected: no. Observed: 26 variant alleles.
Comment: This variant is classified as Benign based on local population frequency. This variant was detected in 28% of patients studied in a panel designed for Epileptic and Developmental Encephalopathy, Progressive Myoclonus Epilepsy and Abnormal Movements and Neurodegeneration with brain iron accumulation. Number of patients: 26. Only high quality variants are reported.

GeneDx
Classification: Benign. Last evaluated: 2018-08-26. Review status: criteria provided, single submitter. Criteria: GeneDx Variant Classification Process June 2021. Collection method: clinical testing. Allele origin: germline. Affected: yes.

Breakthrough Genomics
Classification: Benign. Review status: criteria provided, single submitter. Criteria: ACMG Guidelines, 2015. Collection method: not provided. Allele origin: germline. Inheritance: Autosomal recessive inheritance. Affected: yes.

NM_001386393.1(PANK2):c.298+42C>A

Genes: PANK2 (pantothenate kinase 2; plus strand), LOC130065345 (ATAC-STARR-seq lymphoblastoid silent region 12635; plus strand). Cytogenetic location: 20p13.
Variant type: single nucleotide variant.
Coding change: c.298+42C>A on transcript NM_001386393.1 (MANE Select); 42 bases into the intron after coding-DNA position 298, C replaced by A.
Molecular consequence: intron variant.
Genome position (GRCh38, 1-based): chr20:3,889,770, C>A. VCF-style: chr20-3889770-C-A. GRCh37 (hg19) VCF-style: chr20-3870417-C-A.
Other names: c.-246+866C>A (NM_024960.6); c.628+42C>A (NM_153638.4, NM_001324192.1); c.-414+42C>A (NM_001324191.2).
Identifiers: ClinVar variation 1286420 (VCV001286420.4), dbSNP rs3737086, ClinGen allele CA9750638.